The following is an entry in ClinVar:

ClinVar aggregate classification (germline): Uncertain significance (1 of 4 stars; one submission).

Conditions:
STING-associated vasculopathy with onset in infancy. Also called: Sting-associated vasculopathy, infantile-onset. Identifiers: Orphanet 425120, MedGen C4014722, MONDO:0014405, OMIM 615934.

Allele frequency attached by ClinVar (database versions not stated): gnomAD 0.00001; gnomAD exomes below 0.00001; TOPMed 0.00002.
gnomAD v4.1: 3 of 1,612,486 alleles (0.00019%); highest among the groups gnomAD compares: Admixed American, 0.0017%; no homozygotes.

Submission:

Labcorp Genetics (formerly Invitae), Labcorp
Classification: Uncertain significance for STING-associated vasculopathy with onset in infancy. Last evaluated: 2024-08-04. Review status: criteria provided, single submitter. Criteria: Invitae Variant Classification Sherloc (09022015). Collection method: clinical testing. Allele origin: germline.
Comment: This sequence change replaces proline, which is neutral and non-polar, with serine, which is neutral and polar, at codon 352 of the TMEM173 protein (p.Pro352Ser). This variant is present in population databases (no rsID available, gnomAD 0.0009%). This variant has not been reported in the literature in individuals affected with TMEM173-related conditions. ClinVar contains an entry for this variant (Variation ID: 1053252). An algorithm developed to predict the effect of missense changes on protein structure and function outputs the following: PolyPhen-2: "Benign". The serine amino acid residue is found in multiple mammalian species, which suggests that this missense change does not adversely affect protein function. In summary, the available evidence is currently insufficient to determine the role of this variant in disease. Therefore, it has been classified as a Variant of Uncertain Significance.

NM_198282.4(STING1):c.1054C>T (p.Pro352Ser)

Gene: STING1 (stimulator of interferon response cGAMP interactor 1; minus strand). Cytogenetic location: 5q31.2.
Variant type: single nucleotide variant.
Coding change: c.1054C>T on transcript NM_198282.4 (MANE Select); coding-DNA position 1054, C replaced by T.
Protein change: p.Pro352Ser; replaces proline 352 with serine.
Molecular consequence: missense variant. On other transcripts: 3 prime UTR variant (1).
Genome position (GRCh38, 1-based): chr5:139,476,347, G>A on the plus strand (C>T on the coding strand, the complement: STING1 is on the minus strand). VCF-style: chr5-139476347-G-A. GRCh37 (hg19) VCF-style: chr5-138855932-G-A.
Other names: c.*15C>T (NM_001301738.2); c.697C>T, p.Pro233Ser (NM_001367258.1); short protein forms P233S, P352S.
Identifiers: ClinVar variation 1053252 (VCV001053252.9), dbSNP rs977753165, ClinGen allele CA128747806.